The following is an entry in ClinVar:

NM_001999.4(FBN2):c.8692G>T (p.Glu2898Ter)

Gene: FBN2 (fibrillin 2; minus strand). Cytogenetic location: 5q23.3.
Variant type: single nucleotide variant.
Coding change: c.8692G>T on transcript NM_001999.4 (MANE Select); coding-DNA position 8692, G replaced by T.
Protein change: p.Glu2898Ter; replaces glutamic acid 2898 with a stop codon.
Molecular consequence: nonsense.
Genome position (GRCh38, 1-based): chr5:128,259,502, C>A on the plus strand (G>T on the coding strand, the complement: FBN2 is on the minus strand). VCF-style: chr5-128259502-C-A. GRCh37 (hg19) VCF-style: chr5-127595194-C-A.
Other names: short protein forms E2898*.
Identifiers: ClinVar variation 234749 (VCV000234749.2), dbSNP rs876661196, ClinGen allele CA10577320.

ClinVar aggregate classification (germline): Uncertain significance (1 of 4 stars; one submission).

Submission:

GeneDx
Classification: Uncertain significance. Last evaluated: 2016-01-06. Review status: criteria provided, single submitter. Criteria: GeneDx Variant Classification (06012015). Collection method: clinical testing. Allele origin: germline. Affected: yes.
Comment: The E2898X variant has not been published as a pathogenic variant, nor has it been reported as a benign variant to our knowledge. This variant was not observed in approximately 6,500 individuals of European and African American ancestry in the NHLBI Exome Sequencing Project, indicating it is not a common benign variant in these populations. The E2898X variant is predicted to cause loss of normal protein function by protein truncation, resulting the the loss of the last fifteen amino acid residues. However, only one nonsense variant in the FBN2 gene has been reported in HGMD in association with contractural arachnodactyly (Stenson et al., 2014). Most of the pathogenic variants reported in FBN2 result in missense substitutions or in-frame exon deletions/duplication (Stenson et al., 2009), which may suggest a gain-of-function effect. Therefore, loss-of-function may not be a mechanism of disease for FBN2. Based on the currently available information, it is unclear whether this variant is pathogenic or rare benign.